The following is an entry in ClinVar:

NM_004646.4(NPHS1):c.1434G>A (p.Trp478Ter)

Gene: NPHS1 (NPHS1 adhesion molecule, nephrin; minus strand). Cytogenetic location: 19q13.12.
Variant type: single nucleotide variant.
Coding change: c.1434G>A on transcript NM_004646.4 (MANE Select); coding-DNA position 1434, G replaced by A.
Protein change: p.Trp478Ter; replaces tryptophan 478 with a stop codon.
Molecular consequence: nonsense.
Genome position (GRCh38, 1-based): chr19:35,848,047, C>T on the plus strand (G>A on the coding strand, the complement: NPHS1 is on the minus strand). VCF-style: chr19-35848047-C-T. GRCh37 (hg19) VCF-style: chr19-36338949-C-T.
Other names: short protein forms W478*.
Identifiers: ClinVar variation 1324818 (VCV001324818.7), dbSNP rs1242448684, ClinGen allele CA405403530.

ClinVar aggregate classification (germline): Pathogenic/Likely pathogenic. Review status: criteria provided, multiple submitters, no conflicts (2 of 4 stars). 2 submissions from 2 submitters: Pathogenic (1); Likely pathogenic (1). Last evaluated 2024-12-31.

Conditions:
Finnish congenital nephrotic syndrome (NPHS1). Also called: NEPHROTIC SYNDROME, TYPE 1. Identifiers: Orphanet 839, MedGen C0403399, MONDO:0009732, OMIM 256300.

Allele frequency attached by ClinVar (database versions not stated): gnomAD exomes below 0.00001; TOPMed below 0.00001.
gnomAD v4.1: 2 of 1,613,844 alleles (0.00012%); highest among the groups gnomAD compares: Non-Finnish European, 0.000085%; no homozygotes.

Submissions (2):

Labcorp Genetics (formerly Invitae), Labcorp
Classification: Pathogenic. Last evaluated: 2024-12-31. Review status: criteria provided, single submitter. Criteria: Invitae Variant Classification Sherloc (09022015). Collection method: clinical testing. Allele origin: germline.
Comment: This sequence change creates a premature translational stop signal (p.Trp478*) in the NPHS1 gene. It is expected to result in an absent or disrupted protein product. Loss-of-function variants in NPHS1 are known to be pathogenic (PMID: 11317351, 11854170, 12039988). This variant is not present in population databases (gnomAD no frequency). This variant has not been reported in the literature in individuals affected with NPHS1-related conditions. ClinVar contains an entry for this variant (Variation ID: 1324818). For these reasons, this variant has been classified as Pathogenic.

Revvity Omics, Revvity
Classification: Likely pathogenic for Finnish congenital nephrotic syndrome. Last evaluated: 2021-05-27. Review status: criteria provided, single submitter. Criteria: ACMG Guidelines, 2015. Collection method: clinical testing. Allele origin: germline.

Literature cited by the submitters: PubMed 11317351 (cited by Labcorp Genetics (formerly Invitae), Labcorp); PubMed 11854170 (cited by Labcorp Genetics (formerly Invitae), Labcorp); PubMed 12039988 (cited by Labcorp Genetics (formerly Invitae), Labcorp).